The following is an entry in ClinVar:

ClinVar aggregate classification (germline): Uncertain significance (1 of 4 stars; one submission).

Allele frequency attached by ClinVar (database versions not stated): gnomAD exomes below 0.00001.
gnomAD v4.1: 1 of 1,614,118 alleles (0.000062%); highest among the groups gnomAD compares: Non-Finnish European, 0.000085%; no homozygotes.

Submission:

Labcorp Genetics (formerly Invitae), Labcorp
Classification: Uncertain significance. Last evaluated: 2022-06-08. Review status: criteria provided, single submitter. Criteria: Invitae Variant Classification Sherloc (09022015). Collection method: clinical testing. Allele origin: germline.
Comment: This sequence change replaces arginine, which is basic and polar, with glycine, which is neutral and non-polar, at codon 208 of the TFRC protein (p.Arg208Gly). In summary, the available evidence is currently insufficient to determine the role of this variant in disease. Therefore, it has been classified as a Variant of Uncertain Significance. Algorithms developed to predict the effect of missense changes on protein structure and function output the following: SIFT: "Tolerated"; PolyPhen-2: "Benign"; Align-GVGD: "Class C0". The glycine amino acid residue is found in multiple mammalian species, which suggests that this missense change does not adversely affect protein function. This variant has not been reported in the literature in individuals affected with TFRC-related conditions. This variant is present in population databases (no rsID available, gnomAD 0.0009%).

NM_001128148.3(TFRC):c.622A>G (p.Arg208Gly)

Gene: TFRC (transferrin receptor; minus strand). Cytogenetic location: 3q29.
Variant type: single nucleotide variant.
Coding change: c.622A>G on transcript NM_001128148.3 (MANE Select); coding-DNA position 622, A replaced by G.
Protein change: p.Arg208Gly; replaces arginine 208 with glycine.
Molecular consequence: missense variant. On other transcripts: 5 prime UTR variant (1).
Genome position (GRCh38, 1-based): chr3:196,071,461, T>C on the plus strand (A>G on the coding strand, the complement: TFRC is on the minus strand). VCF-style: chr3-196071461-T-C. GRCh37 (hg19) VCF-style: chr3-195798332-T-C.
Other names: c.379A>G, p.Arg127Gly (NM_001313965.2); c.-225A>G (NM_001313966.2); c.622A>G, p.Arg208Gly (NM_003234.4); short protein forms R208G, R127G.
Identifiers: ClinVar variation 1961300 (VCV001961300.5), dbSNP rs1250926932, ClinGen allele CA355575249.